The following is an entry in ClinVar:

ClinVar aggregate classification (germline): Uncertain significance. Review status: criteria provided, multiple submitters, no conflicts (2 of 4 stars). 2 submissions from 2 submitters: Uncertain significance (2). Last evaluated 2025-10-06.

Allele frequency attached by ClinVar (database versions not stated): gnomAD 0.00001.
gnomAD v4.1: 24 of 1,613,998 alleles (0.0015%); highest among the groups gnomAD compares: Non-Finnish European, 0.002%; no homozygotes.

Submissions (2):

Mayo Clinic Laboratories, Mayo Clinic
Classification: Uncertain significance. Last evaluated: 2025-10-06. Review status: criteria provided, single submitter. Criteria: ACMG Guidelines, 2015. Collection method: clinical testing. Allele origin: germline. Observed: 1 variant allele.
Comment: PP3, PM2_supporting

Ambry Genetics
Classification: Uncertain significance. Last evaluated: 2023-06-21. Review status: criteria provided, single submitter. Criteria: Ambry Variant Classification Scheme 2023. Collection method: clinical testing. Allele origin: germline.

NM_001966.4(EHHADH):c.1612G>A (p.Gly538Ser)

Gene: EHHADH (enoyl-CoA hydratase and 3-hydroxyacyl CoA dehydrogenase; minus strand). Cytogenetic location: 3q27.2.
Variant type: single nucleotide variant.
Coding change: c.1612G>A on transcript NM_001966.4 (MANE Select); coding-DNA position 1612, G replaced by A.
Protein change: p.Gly538Ser; replaces glycine 538 with serine.
Molecular consequence: missense variant.
Genome position (GRCh38, 1-based): chr3:185,192,786, C>T on the plus strand (G>A on the coding strand, the complement: EHHADH is on the minus strand). VCF-style: chr3-185192786-C-T. GRCh37 (hg19) VCF-style: chr3-184910574-C-T.
Other names: p.Gly538Ser; c.1324G>A, p.Gly442Ser (NM_001166415.2); short protein forms G538S, G442S.
Identifiers: ClinVar variation 2605056 (VCV002605056.3), dbSNP rs774804691, ClinGen allele CA89553260.